The following is an entry in ClinVar:

NM_024642.5(GALNT12):c.732-5T>G

Gene: GALNT12 (polypeptide N-acetylgalactosaminyltransferase 12; plus strand). Cytogenetic location: 9q22.33.
Variant type: single nucleotide variant.
Coding change: c.732-5T>G on transcript NM_024642.5 (MANE Select); 5 bases into the intron before coding-DNA position 732, T replaced by G.
Molecular consequence: intron variant.
Genome position (GRCh38, 1-based): chr9:98,831,767, T>G. VCF-style: chr9-98831767-T-G. GRCh37 (hg19) VCF-style: chr9-101594049-T-G.
Identifiers: ClinVar variation 2562227 (VCV002562227.5), dbSNP rs1836001575, ClinGen allele CA1867103711.

ClinVar aggregate classification (germline): Uncertain significance. Review status: criteria provided, multiple submitters, no conflicts (2 of 4 stars). 2 submissions from 2 submitters: Uncertain significance (2). Last evaluated 2023-05-25.

Allele frequency attached by ClinVar (database versions not stated): TOPMed below 0.00001.

Submissions (2):

Ambry Genetics
Classification: Uncertain significance. Last evaluated: 2023-05-25. Review status: criteria provided, single submitter. Criteria: Ambry Variant Classification Scheme 2023. Collection method: clinical testing. Allele origin: germline.
Comment: The c.732-5T>G intronic variant results from a T to G substitution 5 nucleotides upstream from coding exon 4 in the GALNT12 gene. This nucleotide position is well conserved in available vertebrate species. In silico splice site analysis predicts that this alteration will weaken the native splice acceptor site. The evidence for this gene-disease relationship is limited; therefore, the clinical significance of this alteration is unclear.

Labcorp Genetics (formerly Invitae), Labcorp
Classification: Uncertain significance. Last evaluated: 2023-05-20. Review status: criteria provided, single submitter. Criteria: Invitae Variant Classification Sherloc (09022015). Collection method: clinical testing. Allele origin: germline.
Comment: In summary, the available evidence is currently insufficient to determine the role of this variant in disease. Therefore, it has been classified as a Variant of Uncertain Significance. Algorithms developed to predict the effect of sequence changes on RNA splicing suggest that this variant may disrupt the consensus splice site. This variant has not been reported in the literature in individuals affected with GALNT12-related conditions. This variant is not present in population databases (gnomAD no frequency). This sequence change falls in intron 3 of the GALNT12 gene. It does not directly change the encoded amino acid sequence of the GALNT12 protein.